The following is an entry in ClinVar:

ClinVar aggregate classification (germline): Uncertain significance (1 of 4 stars; one submission).

Conditions:
Developmental and epileptic encephalopathy 94 (DEE94). Also called: Epileptic encephalopathy, childhood-onset; CHD2-Related Neurodevelopmental Disorders. Identifiers: Orphanet 1942, Orphanet 2382, MedGen C3809278, MONDO:0014150, OMIM 615369.

Submission:

Labcorp Genetics (formerly Invitae), Labcorp
Classification: Uncertain significance for Developmental and epileptic encephalopathy 94. Last evaluated: 2019-02-07. Review status: criteria provided, single submitter. Criteria: Invitae Variant Classification Sherloc (09022015). Collection method: clinical testing. Allele origin: germline.
Comment: In summary, the available evidence is currently insufficient to determine the role of this variant in disease. Therefore, it has been classified as a Variant of Uncertain Significance. Algorithms developed to predict the effect of missense changes on protein structure and function are either unavailable or do not agree on the potential impact of this missense change (SIFT: "Deleterious"; PolyPhen-2: "Benign"; Align-GVGD: "Class C65"). This variant has not been reported in the literature in individuals with CHD2-related conditions. This variant is not present in population databases (ExAC no frequency). This sequence change replaces serine with phenylalanine at codon 1221 of the CHD2 protein (p.Ser1221Phe). The serine residue is highly conserved and there is a large physicochemical difference between serine and phenylalanine.

NM_001271.4(CHD2):c.3662C>T (p.Ser1221Phe)

Gene: CHD2 (chromodomain helicase DNA binding protein 2; plus strand). Cytogenetic location: 15q26.1.
Variant type: single nucleotide variant.
Coding change: c.3662C>T on transcript NM_001271.4 (MANE Select); coding-DNA position 3662, C replaced by T.
Protein change: p.Ser1221Phe; replaces serine 1221 with phenylalanine.
Molecular consequence: missense variant.
Genome position (GRCh38, 1-based): chr15:92,997,023, C>T. VCF-style: chr15-92997023-C-T. GRCh37 (hg19) VCF-style: chr15-93540253-C-T.
Other names: short protein forms S1221F.
Identifiers: ClinVar variation 856042 (VCV000856042.10), dbSNP rs2054197204, ClinGen allele CA393897832.